The following is an entry in ClinVar:

ClinVar aggregate classification (germline): Uncertain significance (1 of 4 stars; one submission).

Submission:

CeGaT Center for Human Genetics Tuebingen
Classification: Uncertain significance. Last evaluated: 2023-09-01. Review status: criteria provided, single submitter. Criteria: CeGaT Center For Human Genetics Tuebingen Variant Classification Criteria Version 2. Collection method: clinical testing. Allele origin: germline. Affected: yes. Observed: 1 variant allele.
Comment: DOCK8: PM2, PP3

NM_203447.4(DOCK8):c.1516G>A (p.Gly506Ser)

Gene: DOCK8 (dedicator of cytokinesis 8; plus strand). Cytogenetic location: 9p24.3.
Variant type: single nucleotide variant.
Coding change: c.1516G>A on transcript NM_203447.4 (MANE Select); coding-DNA position 1516, G replaced by A.
Protein change: p.Gly506Ser; replaces glycine 506 with serine.
Molecular consequence: missense variant.
Genome position (GRCh38, 1-based): chr9:339,099, G>A. VCF-style: chr9-339099-G-A. GRCh37 (hg19) VCF-style: chr9-339099-G-A.
Other names: c.1312G>A, p.Gly438Ser (NM_001190458.2, NM_001193536.2); short protein forms G438S, G506S.
Identifiers: ClinVar variation 2659015 (VCV002659015.24), dbSNP rs2538013532, ClinGen allele CA372755047.